The following is an entry in ClinVar:

ClinVar aggregate classification (germline): Uncertain significance (1 of 4 stars; one submission).

gnomAD v4.1: 1 of 1,613,554 alleles (0.000062%); highest among the groups gnomAD compares: South Asian, 0.0011%; no homozygotes.

Submission:

Labcorp Genetics (formerly Invitae), Labcorp
Classification: Uncertain significance. Last evaluated: 2025-01-07. Review status: criteria provided, single submitter. Criteria: Invitae Variant Classification Sherloc (09022015). Collection method: clinical testing. Allele origin: germline.
Comment: This sequence change replaces aspartic acid, which is acidic and polar, with asparagine, which is neutral and polar, at codon 305 of the COL11A1 protein (p.Asp305Asn). This variant is not present in population databases (gnomAD no frequency). This variant has not been reported in the literature in individuals affected with COL11A1-related conditions. Invitae Evidence Modeling of protein sequence and biophysical properties (such as structural, functional, and spatial information, amino acid conservation, physicochemical variation, residue mobility, and thermodynamic stability) indicates that this missense variant is not expected to disrupt COL11A1 protein function with a negative predictive value of 95%. In summary, the available evidence is currently insufficient to determine the role of this variant in disease. Therefore, it has been classified as a Variant of Uncertain Significance.

NM_001854.4(COL11A1):c.913G>A (p.Asp305Asn)

Gene: COL11A1 (collagen type XI alpha 1 chain; minus strand). Cytogenetic location: 1p21.1.
Variant type: single nucleotide variant.
Coding change: c.913G>A on transcript NM_001854.4 (MANE Select); coding-DNA position 913, G replaced by A.
Protein change: p.Asp305Asn; replaces aspartic acid 305 with asparagine.
Molecular consequence: missense variant. On other transcripts: non-coding transcript variant (1), intron variant (1).
Genome position (GRCh38, 1-based): chr1:103,025,598, C>T on the plus strand (G>A on the coding strand, the complement: COL11A1 is on the minus strand). VCF-style: chr1-103025598-C-T. GRCh37 (hg19) VCF-style: chr1-103491154-C-T.
Other names: c.796G>A, p.Asp266Asn (NM_001190709.2); c.949G>A, p.Asp317Asn (NM_080629.3); c.897+618G>A (NM_080630.4); short protein forms D266N, D305N, D317N.
Identifiers: ClinVar variation 3633580 (VCV003633580.2).
Genomic context (GRCh38, chr1:103,025,598, plus strand): 5'-CATGCCTAGGAGCTTCTGTCTGGTAACTTTCCATTGTTCCATAGTTGTATTCTTGAAAAT[C>T]ATCAACGATGTTTGCCTAATGGTAAATTCAGAAGAGAATTAGTAAACATGTAAGGTGATC-3'
Protein context (NP_001845.3, residues 295-315): IAQTEANIVD[Asp305Asn]FQEYNYGTME